The following is an entry in ClinVar:

NM_000384.3(APOB):c.7751G>T (p.Gly2584Val)

Gene: APOB (apolipoprotein B; minus strand). Cytogenetic location: 2p24.1.
Variant type: single nucleotide variant.
Coding change: c.7751G>T on transcript NM_000384.3 (MANE Select); coding-DNA position 7751, G replaced by T.
Protein change: p.Gly2584Val; replaces glycine 2584 with valine.
Molecular consequence: missense variant.
Genome position (GRCh38, 1-based): chr2:21,009,117, C>A on the plus strand (G>T on the coding strand, the complement: APOB is on the minus strand). VCF-style: chr2-21009117-C-A. GRCh37 (hg19) VCF-style: chr2-21231989-C-A.
Other names: c.7751G>T (NM_000384.2); short protein forms G2584V.
Identifiers: ClinVar variation 2947661 (VCV002947661.5), dbSNP rs370426974, ClinGen allele CA064766.
Genomic context (GRCh38, chr2:21,009,117, plus strand): 5'-AGACTGACTTCAAAGGCAGGCATGGTCCCAAGGATGGTCTTGATTTCAGGAACAGTGAAC[C>A]CTTGCTCTACCAATGCTTTCATACGTTTAGCCCAATCTTGGATAGAATATTGCTCTGCAA-3'
Protein context (NP_000375.3, residues 2574-2594): AKRMKALVEQ[Gly2584Val]FTVPEIKTIL

ClinVar aggregate classification (germline): Conflicting classifications of pathogenicity. Review status: criteria provided, conflicting classifications (1 of 4 stars). 3 submissions from 3 submitters: Uncertain significance (2); Likely benign (1). Last evaluated 2025-09-29.

Conditions:
Cardiovascular phenotype. Identifiers: MedGen CN230736.
Familial hypobetalipoproteinemia 1. Also called: APOB-Related Familial Hypobetalipoproteinemia; Hypobetalipoproteinemia, normotriglyceridemic; Acanthocytosis with hypobetalipoproteinemia. Identifiers: MedGen C4551990, MONDO:0014252, OMIM 615558.
Hypercholesterolemia, autosomal dominant, type B (FHCL2). Also called: Familial Hypercholesterolemia Type B; APOLIPOPROTEIN B-100, FAMILIAL DEFECTIVE; APOLIPOPROTEIN B-100, FAMILIAL LIGAND-DEFECTIVE; HYPERCHOLESTEROLEMIA, FAMILIAL, DUE TO LIGAND-DEFECTIVE APOLIPOPROTEIN B; Hyperlipoproteinemia Type IIb; Familial hypercholesterolemia 2. Identifiers: MedGen C1704417, MONDO:0007751, OMIM 144010.

Allele frequency attached by ClinVar (database versions not stated): gnomAD 0.00001; TOPMed 0.00005; ESP Exome Variant Server 0.00008.

Submissions (3):

Quest Diagnostics Nichols Institute San Juan Capistrano
Classification: Uncertain significance. Last evaluated: 2025-09-29. Review status: criteria provided, single submitter. Criteria: Quest Diagnostics criteria. Collection method: clinical testing. Allele origin: unknown.
Comment: The APOB c.7751G>T (p.Gly2584Val) variant has not been reported in individuals with APOB-related conditions in the published literature. The frequency of this variant in the general population (Genome Aggregation Database) is uninformative in the assessment of its pathogenicity. Analysis of this variant using bioinformatics tools for the prediction of the effect of amino acid changes on protein structure and function yielded conflicting predictions that this variant is benign or damaging. Based on the available information, we are unable to determine the clinical significance of this variant.

Ambry Genetics
Classification: Uncertain significance for Cardiovascular phenotype. Last evaluated: 2024-01-01. Review status: criteria provided, single submitter. Criteria: Ambry Variant Classification Scheme 2023. Collection method: clinical testing. Allele origin: germline.
Comment: The p.G2584V variant (also known as c.7751G>T), located in coding exon 26 of the APOB gene, results from a G to T substitution at nucleotide position 7751. The glycine at codon 2584 is replaced by valine, an amino acid with dissimilar properties. This amino acid position is conserved. In addition, the in silico prediction for this alteration is inconclusive. Since supporting evidence is limited at this time, the clinical significance of this alteration remains unclear.

Labcorp Genetics (formerly Invitae), Labcorp
Classification: Likely benign for Familial hypobetalipoproteinemia 1; Hypercholesterolemia, autosomal dominant, type B. Last evaluated: 2023-04-17. Review status: criteria provided, single submitter. Criteria: Invitae Variant Classification Sherloc (09022015). Collection method: clinical testing. Allele origin: germline.